The following is an entry in ClinVar:

NM_001371986.1(UNC80):c.26G>C (p.Gly9Ala)

Gene: UNC80 (unc-80 homolog, NALCN channel complex subunit; plus strand). Cytogenetic location: 2q34.
Variant type: single nucleotide variant.
Coding change: c.26G>C on transcript NM_001371986.1 (MANE Select); coding-DNA position 26, G replaced by C.
Protein change: p.Gly9Ala; replaces glycine 9 with alanine.
Molecular consequence: missense variant.
Genome position (GRCh38, 1-based): chr2:209,772,098, G>C. VCF-style: chr2-209772098-G-C. GRCh37 (hg19) VCF-style: chr2-210636822-G-C.
Other names: c.26G>C, p.Gly9Ala (NM_032504.2, NM_182587.4); short protein forms G9A.
Identifiers: ClinVar variation 1361280 (VCV001361280.5), dbSNP rs1256509145, ClinGen allele CA350124178.

ClinVar aggregate classification (germline): Uncertain significance (1 of 4 stars; one submission).

Allele frequency attached by ClinVar (database versions not stated): gnomAD exomes 0.00001.
gnomAD v4.1: 12 of 1,549,506 alleles (0.00077%); highest among the groups gnomAD compares: Non-Finnish European, 0.001%; no homozygotes.

Submission:

Labcorp Genetics (formerly Invitae), Labcorp
Classification: Uncertain significance. Last evaluated: 2022-07-05. Review status: criteria provided, single submitter. Criteria: Invitae Variant Classification Sherloc (09022015). Collection method: clinical testing. Allele origin: germline.
Comment: This sequence change replaces glycine, which is neutral and non-polar, with alanine, which is neutral and non-polar, at codon 9 of the UNC80 protein (p.Gly9Ala). This variant is present in population databases (no rsID available, gnomAD 0.004%). This variant has not been reported in the literature in individuals affected with UNC80-related conditions. ClinVar contains an entry for this variant (Variation ID: 1361280). Algorithms developed to predict the effect of missense changes on protein structure and function are either unavailable or do not agree on the potential impact of this missense change (SIFT: "Not Available"; PolyPhen-2: "Possibly Damaging"; Align-GVGD: "Not Available"). In summary, the available evidence is currently insufficient to determine the role of this variant in disease. Therefore, it has been classified as a Variant of Uncertain Significance.